The following is an entry in ClinVar:

ClinVar aggregate classification (germline): Uncertain significance (1 of 4 stars; one submission).

Conditions:
Cutis laxa, autosomal dominant 3 (ADCL3). Identifiers: Orphanet 90348, MedGen C4225268, MONDO:0014706, OMIM 616603.
Autosomal dominant spastic paraplegia type 9. Identifiers: MedGen C1832669, MONDO:0015091.
de Barsy syndrome. Also called: Cutis laxa-corneal clouding-oligophrenia syndrome. Identifiers: Orphanet 2962, MedGen C0268354, MONDO:0017569.

Submission:

Labcorp Genetics (formerly Invitae), Labcorp
Classification: Uncertain significance for Autosomal dominant spastic paraplegia type 9; de Barsy syndrome; Cutis laxa, autosomal dominant 3. Last evaluated: 2024-07-21. Review status: criteria provided, single submitter. Criteria: Invitae Variant Classification Sherloc (09022015). Collection method: clinical testing. Allele origin: germline.
Comment: This sequence change replaces arginine, which is basic and polar, with cysteine, which is neutral and slightly polar, at codon 126 of the ALDH18A1 protein (p.Arg126Cys). This variant is not present in population databases (gnomAD no frequency). This missense change has been observed in individual(s) with ALDH18A1-related conditions (Invitae). Advanced modeling of protein sequence and biophysical properties (such as structural, functional, and spatial information, amino acid conservation, physicochemical variation, residue mobility, and thermodynamic stability) has been performed at Invitae for this missense variant, however the output from this modeling did not meet the statistical confidence thresholds required to predict the impact of this variant on ALDH18A1 protein function. This variant disrupts the p.Arg126 amino acid residue in ALDH18A1. Other variant(s) that disrupt this residue have been observed in individuals with ALDH18A1-related conditions (PMID: 28228640), which suggests that this may be a clinically significant amino acid residue. In summary, the available evidence is currently insufficient to determine the role of this variant in disease. Therefore, it has been classified as a Variant of Uncertain Significance.

Literature cited by the submitters: PubMed 28228640.

NM_002860.4(ALDH18A1):c.376C>T (p.Arg126Cys)

Gene: ALDH18A1 (aldehyde dehydrogenase 18 family member A1; minus strand). Cytogenetic location: 10q24.1.
Variant type: single nucleotide variant.
Coding change: c.376C>T on transcript NM_002860.4 (MANE Select); coding-DNA position 376, C replaced by T.
Protein change: p.Arg126Cys; replaces arginine 126 with cysteine.
Molecular consequence: missense variant. On other transcripts: intron variant (1).
Genome position (GRCh38, 1-based): chr10:95,637,364, G>A on the plus strand (C>T on the coding strand, the complement: ALDH18A1 is on the minus strand). VCF-style: chr10-95637364-G-A. GRCh37 (hg19) VCF-style: chr10-97397121-G-A.
Other names: c.376C>T, p.Arg126Cys (NM_001017423.2, NM_001323413.2, NM_001323414.2 and 2 more transcripts); c.43C>T, p.Arg15Cys (NM_001323412.2, NM_001323416.2, NM_001323418.2); c.-78-3715C>T (NM_001323419.2); short protein forms R126C, R15C.
Identifiers: ClinVar variation 3751659 (VCV003751659.2).